The following is an entry in ClinVar:

NM_004519.4(KCNQ3):c.2044A>G (p.Thr682Ala)

Gene: KCNQ3 (potassium voltage-gated channel subfamily Q member 3; minus strand). Cytogenetic location: 8q24.22.
Variant type: single nucleotide variant.
Coding change: c.2044A>G on transcript NM_004519.4 (MANE Select); coding-DNA position 2044, A replaced by G.
Protein change: p.Thr682Ala; replaces threonine 682 with alanine.
Molecular consequence: missense variant.
Genome position (GRCh38, 1-based): chr8:132,129,837, T>C on the plus strand (A>G on the coding strand, the complement: KCNQ3 is on the minus strand). VCF-style: chr8-132129837-T-C. GRCh37 (hg19) VCF-style: chr8-133142084-T-C.
Other names: c.1684A>G, p.Thr562Ala (NM_001204824.2); short protein forms T562A, T682A.
Identifiers: ClinVar variation 660237 (VCV000660237.6), dbSNP rs768163501, ClinGen allele CA372217063.

ClinVar aggregate classification (germline): Uncertain significance. Review status: criteria provided, multiple submitters, no conflicts (2 of 4 stars). 2 submissions from 2 submitters: Uncertain significance (2). Last evaluated 2025-12-02.

Conditions:
Benign neonatal seizures. Also called: Convulsions benign familial neonatal dominant form; Autosomal dominant form of benign neonatal seizures; Benign neonatal familial convulsions; Benign familial neonatal epilepsy; Benign familial neonatal seizures. Identifiers: Orphanet 1949, MedGen C0220669, MONDO:0016027.
Seizures, benign familial neonatal, 2. Also called: Benign Neonatal Epilepsy 2; Seizures, benign neonatal, 2; CONVULSIONS, BENIGN FAMILIAL NEONATAL, 2; KCNQ3-Related Benign Familial Neonatal Epilepsy; KCNQ3-Related Self-Limited Familial Neonatal Epilepsy (SLFNE). Identifiers: Orphanet 1949, MedGen C1852581, MONDO:0007366, OMIM 121201.

Submissions (2):

Labcorp Genetics (formerly Invitae), Labcorp
Classification: Uncertain significance for Benign neonatal seizures. Last evaluated: 2025-12-02. Review status: criteria provided, single submitter. Criteria: Invitae Variant Classification Sherloc (09022015). Collection method: clinical testing. Allele origin: germline.
Comment: This sequence change replaces threonine, which is neutral and polar, with alanine, which is neutral and non-polar, at codon 682 of the KCNQ3 protein (p.Thr682Ala). This variant is not present in population databases (gnomAD no frequency). This variant has not been reported in the literature in individuals affected with KCNQ3-related conditions. ClinVar contains an entry for this variant (Variation ID: 660237). Invitae Evidence Modeling of protein sequence and biophysical properties (such as structural, functional, and spatial information, amino acid conservation, physicochemical variation, residue mobility, and thermodynamic stability) indicates that this missense variant is not expected to disrupt KCNQ3 protein function with a negative predictive value of 80%. In summary, the available evidence is currently insufficient to determine the role of this variant in disease. Therefore, it has been classified as a Variant of Uncertain Significance.

Victorian Clinical Genetics Services, Murdoch Childrens Research Institute
Classification: Uncertain significance for Seizures, benign familial neonatal, 2. Last evaluated: 2024-10-09. Review status: criteria provided, single submitter. Criteria: ACMG Guidelines, 2015. Collection method: clinical testing. Allele origin: germline. Inheritance: Autosomal dominant inheritance. Affected: yes.
Comment: Based on the classification scheme VCGS_Germline_v1.3.4, this variant is classified as VUS-3C. Following criteria are met: 0103 - Loss of function and gain of function are known mechanisms of disease in this gene. Loss of function is associated with benign neonatal seizures,2 (MIM#121201) (PMID:25524373, 24851285) and gain of function is associated with KCNQ3-related neurodevelopmental disorder (MONDO:0700092) (PMID:31177578, 24851285). (I) 0107 - This gene is associated with autosomal dominant disease. (I) 0200 - Variant is predicted to result in a missense amino acid change from threonine to alanine. (I) 0251 - This variant is heterozygous. (I) 0301 - Variant is absent from gnomAD (both v2 and v3). (SP) 0309 - An alternative amino acid change at the same position has been observed in gnomAD (v2) (1 heterozygote, 0 homozygotes). (I) 0503 - Missense variant consistently predicted to be tolerated by multiple in silico tools or not conserved in placental mammals with a minor amino acid change. (SB) 0604 - Variant is not located in an established domain, motif, hotspot or informative constraint region. (I) 0705 - No comparable missense variants have previous evidence for pathogenicity. (I) 0809 - Previous evidence of pathogenicity for this variant is inconclusive. This variant has been reported once as a variant of unknown significance (ClinVar). (I) 0905 - No published segregation evidence has been identified for this variant. (I) 1007 - No published functional evidence has been identified for this variant. (I) 1208 - Inheritance information for this variant is not currently available in this individual. (I) Legend: (SP) - Supporting pathogenic, (I) - Information, (SB) - Supporting benign

Literature cited by the submitters: PubMed 24851285 (cited by Victorian Clinical Genetics Services, Murdoch Childrens Research Institute); PubMed 25524373 (cited by Victorian Clinical Genetics Services, Murdoch Childrens Research Institute); PubMed 31177578 (cited by Victorian Clinical Genetics Services, Murdoch Childrens Research Institute).